The following is an entry in ClinVar:

ClinVar aggregate classification (germline): Uncertain significance (1 of 4 stars; one submission).

Conditions:
PCNT-related disorder. Also called: PCNT-related condition.

Submission:

PreventionGenetics, part of Exact Sciences
Classification: Uncertain significance for PCNT-related condition. Last evaluated: 2026-02-11. Review status: criteria provided, single submitter. Criteria: ACMG Guidelines, 2015. Collection method: clinical testing. Allele origin: germline.
Comment: The PCNT c.7091G>T variant is predicted to result in the amino acid substitution p.Gly2364Val. To our knowledge, this variant has not been reported in the literature or in a large population database (gnomAD), indicating this variant is rare. At this time, the clinical significance of this variant is uncertain due to the absence of conclusive functional and genetic evidence.

NM_006031.6(PCNT):c.7091G>T (p.Gly2364Val)

Gene: PCNT (pericentrin; plus strand). Cytogenetic location: 21q22.3.
Variant type: single nucleotide variant.
Coding change: c.7091G>T on transcript NM_006031.6 (MANE Select); coding-DNA position 7091, G replaced by T.
Protein change: p.Gly2364Val; replaces glycine 2364 with valine.
Molecular consequence: missense variant.
Genome position (GRCh38, 1-based): chr21:46,422,036, G>T. VCF-style: chr21-46422036-G-T. GRCh37 (hg19) VCF-style: chr21-47841950-G-T.
Other names: c.6737G>T, p.Gly2246Val (NM_001315529.2); short protein forms G2246V, G2364V.
Identifiers: ClinVar variation 4996337 (VCV004996337.1).